The following is an entry in ClinVar:

NM_000256.3(MYBPC3):c.25+15G>A

Gene: MYBPC3 (myosin binding protein C3; minus strand). Cytogenetic location: 11p11.2.
Variant type: single nucleotide variant.
Coding change: c.25+15G>A on transcript NM_000256.3 (MANE Select); 15 bases into the intron after coding-DNA position 25, G replaced by A.
Molecular consequence: intron variant.
Genome position (GRCh38, 1-based): chr11:47,352,608, C>T on the plus strand (G>A on the coding strand, the complement: MYBPC3 is on the minus strand). VCF-style: chr11-47352608-C-T. GRCh37 (hg19) VCF-style: chr11-47374159-C-T.
Identifiers: ClinVar variation 2919429 (VCV002919429.4), dbSNP rs1042851980, ClinGen allele CA221710051.

ClinVar aggregate classification (germline): Likely benign. Review status: criteria provided, multiple submitters, no conflicts (2 of 4 stars). 2 submissions from 2 submitters: Likely benign (2). Last evaluated 2025-02-17.

Conditions:
Hypertrophic cardiomyopathy. Also called: HYPERTROPHIC MYOCARDIOPATHY. Identifiers: Orphanet 217569, MedGen C0007194, MeSH D002312, MONDO:0005045, HP:0001639.

Allele frequency attached by ClinVar (database versions not stated): gnomAD exomes below 0.00001.
gnomAD v4.1: 7 of 1,602,980 alleles (0.00044%); highest among the groups gnomAD compares: Middle Eastern, 0.017%; no homozygotes.

Submissions (2):

Labcorp Genetics (formerly Invitae), Labcorp
Classification: Likely benign for Hypertrophic cardiomyopathy. Last evaluated: 2025-02-17. Review status: criteria provided, single submitter. Criteria: Invitae Variant Classification Sherloc (09022015). Collection method: clinical testing. Allele origin: germline.

Women's Health and Genetics/Laboratory Corporation of America, LabCorp
Classification: Likely benign. Last evaluated: 2024-04-29. Review status: criteria provided, single submitter. Criteria: LabCorp Variant Classification Summary - May 2015. Collection method: clinical testing. Allele origin: germline.
Comment: Variant summary: MYBPC3 c.25+15G>A alters a non-conserved nucleotide located at a position not widely known to affect splicing. Consensus agreement among computation tools predict no significant impact on normal splicing. However, these predictions have yet to be confirmed by functional studies. The variant allele was found at a frequency of 8.4e-06 in 237818 control chromosomes. The available data on variant occurrences in the general population are insufficient to allow any conclusion about variant significance. To our knowledge, no occurrence of c.25+15G>A in individuals affected with Dilated Cardiomyopathy and no experimental evidence demonstrating its impact on protein function have been reported. ClinVar contains an entry for this variant (Variation ID: 2919429). Based on the evidence outlined above, the variant was classified as likely benign.